The following is an entry in ClinVar:

NM_002637.4(PHKA1):c.3485T>A (p.Phe1162Tyr)

Gene: PHKA1 (phosphorylase kinase regulatory subunit alpha 1; minus strand). Cytogenetic location: Xq13.1.
Variant type: single nucleotide variant.
Coding change: c.3485T>A on transcript NM_002637.4 (MANE Select); coding-DNA position 3485, T replaced by A.
Protein change: p.Phe1162Tyr; replaces phenylalanine 1162 with tyrosine.
Molecular consequence: missense variant.
Genome position (GRCh38, 1-based): chrX:72,582,411, A>T on the plus strand (T>A on the coding strand, the complement: PHKA1 is on the minus strand). VCF-style: chrX-72582411-A-T. GRCh37 (hg19) VCF-style: chrX-71802261-A-T.
Other names: c.3446T>A, p.Phe1149Tyr (NM_001122670.2); c.3269T>A, p.Phe1090Tyr (NM_001172436.2); short protein forms F1090Y, F1149Y, F1162Y.
Identifiers: ClinVar variation 2987491 (VCV002987491.3), dbSNP rs2522306642, ClinGen allele CA413580880.

ClinVar aggregate classification (germline): Uncertain significance (1 of 4 stars; one submission).

Conditions:
Glycogen storage disease IXd (GSD9D). Also called: Muscle Phosphorylase Kinase Deficiency; GSD IXd. Identifiers: Orphanet 715, MedGen C1845151, MONDO:0010362, OMIM 300559.

Submission:

Labcorp Genetics (formerly Invitae), Labcorp
Classification: Uncertain significance for Glycogen storage disease IXd. Last evaluated: 2023-07-13. Review status: criteria provided, single submitter. Criteria: Invitae Variant Classification Sherloc (09022015). Collection method: clinical testing. Allele origin: germline.
Comment: This sequence change replaces phenylalanine, which is neutral and non-polar, with tyrosine, which is neutral and polar, at codon 1162 of the PHKA1 protein (p.Phe1162Tyr). This variant is not present in population databases (gnomAD no frequency). In summary, the available evidence is currently insufficient to determine the role of this variant in disease. Therefore, it has been classified as a Variant of Uncertain Significance. An algorithm developed to predict the effect of missense changes on protein structure and function (PolyPhen-2) suggests that this variant is likely to be disruptive. This variant has not been reported in the literature in individuals affected with PHKA1-related conditions.